The following is an entry in ClinVar:

NM_030957.4(ADAMTS10):c.934G>A (p.Asp312Asn)

Gene: ADAMTS10 (ADAM metallopeptidase with thrombospondin type 1 motif 10; minus strand). Cytogenetic location: 19p13.2.
Variant type: single nucleotide variant.
Coding change: c.934G>A on transcript NM_030957.4 (MANE Select); coding-DNA position 934, G replaced by A.
Protein change: p.Asp312Asn; replaces aspartic acid 312 with asparagine.
Molecular consequence: missense variant.
Genome position (GRCh38, 1-based): chr19:8,597,093, C>T on the plus strand (G>A on the coding strand, the complement: ADAMTS10 is on the minus strand). VCF-style: chr19-8597093-C-T. GRCh37 (hg19) VCF-style: chr19-8661977-C-T.
Other names: short protein forms D312N.
Identifiers: ClinVar variation 1369674 (VCV001369674.8), dbSNP rs2146082946, ClinGen allele CA403756120.

ClinVar aggregate classification (germline): Uncertain significance (1 of 4 stars; one submission).

Submission:

Labcorp Genetics (formerly Invitae), Labcorp
Classification: Uncertain significance. Last evaluated: 2021-02-03. Review status: criteria provided, single submitter. Criteria: Invitae Variant Classification Sherloc (09022015). Collection method: clinical testing. Allele origin: germline.
Comment: Algorithms developed to predict the effect of missense changes on protein structure and function are either unavailable or do not agree on the potential impact of this missense change (SIFT: "Deleterious"; PolyPhen-2: "Probably Damaging"; Align-GVGD: "Class C15"). In summary, the available evidence is currently insufficient to determine the role of this variant in disease. Therefore, it has been classified as a Variant of Uncertain Significance. This variant has not been reported in the literature in individuals with ADAMTS10-related conditions. This variant is not present in population databases (ExAC no frequency). This sequence change replaces aspartic acid with asparagine at codon 312 of the ADAMTS10 protein (p.Asp312Asn). The aspartic acid residue is highly conserved and there is a small physicochemical difference between aspartic acid and asparagine.